The following is an entry in ClinVar:

ClinVar aggregate classification (germline): Likely benign (1 of 4 stars; one submission).

Submission:

CeGaT Center for Human Genetics Tuebingen
Classification: Likely benign. Last evaluated: 2025-07-01. Review status: criteria provided, single submitter. Criteria: CeGaT Center For Human Genetics Tuebingen Variant Classification Criteria Version 2. Collection method: clinical testing. Allele origin: germline. Affected: yes. Observed: 1 variant allele.
Comment: TLR9: BP4, BP7

NM_017442.4(TLR9):c.1797G>A (p.Ser599=)

Gene: TLR9 (toll like receptor 9; minus strand). Cytogenetic location: 3p21.2.
Variant type: single nucleotide variant.
Coding change: c.1797G>A on transcript NM_017442.4 (MANE Select); coding-DNA position 1797, G replaced by A.
Protein change: p.Ser599=; no amino-acid change (serine 599 retained).
Molecular consequence: synonymous variant.
Genome position (GRCh38, 1-based): chr3:52,222,519, C>T on the plus strand (G>A on the coding strand, the complement: TLR9 is on the minus strand). VCF-style: chr3-52222519-C-T. GRCh37 (hg19) VCF-style: chr3-52256535-C-T.
Identifiers: ClinVar variation 4083546 (VCV004083546.8).